The following is an entry in ClinVar:

ClinVar aggregate classification (germline): Likely pathogenic (1 of 4 stars; one submission).

Submission:

CeGaT Center for Human Genetics Tuebingen
Classification: Likely pathogenic. Last evaluated: 2023-04-01. Review status: criteria provided, single submitter. Criteria: CeGaT Center For Human Genetics Tuebingen Variant Classification Criteria Version 2. Collection method: clinical testing. Allele origin: germline. Affected: yes. Observed: 1 variant allele.
Comment: KCNJ16: PP4:Strong, PM2, PM5, PM3:Supporting

NM_170741.4(KCNJ16):c.409C>G (p.Arg137Gly)

Gene: KCNJ16 (potassium inwardly rectifying channel subfamily J member 16; plus strand). Cytogenetic location: 17q24.3.
Variant type: single nucleotide variant.
Coding change: c.409C>G on transcript NM_170741.4 (MANE Select); coding-DNA position 409, C replaced by G.
Protein change: p.Arg137Gly; replaces arginine 137 with glycine.
Molecular consequence: missense variant.
Genome position (GRCh38, 1-based): chr17:70,132,496, C>G. VCF-style: chr17-70132496-C-G. GRCh37 (hg19) VCF-style: chr17-68128637-C-G.
Other names: c.409C>G, p.Arg137Gly (NM_170742.3, NM_001270422.2, NM_001291622.3 and 4 more transcripts); short protein forms R137G.
Identifiers: ClinVar variation 2571001 (VCV002571001.27), dbSNP rs766250689, ClinGen allele CA400862567.